The following is an entry in ClinVar:

ClinVar aggregate classification (germline): Conflicting classifications of pathogenicity. Review status: criteria provided, conflicting classifications (1 of 4 stars). 4 submissions from 4 submitters: Uncertain significance (2); Likely benign (1). 1 of the submissions does not count toward it. Last evaluated 2026-03-27.

Allele frequency attached by ClinVar (database versions not stated): 1000 Genomes Project 30x 0.00016; 1000 Genomes Project 0.00020; ESP Exome Variant Server 0.00023; gnomAD 0.00027 and 0.00028; TOPMed 0.00029; gnomAD exomes 0.00038 and 0.00046; ExAC 0.00067.
gnomAD v4.1: 593 of 1,614,122 alleles (0.037%); highest among the groups gnomAD compares: Non-Finnish European, 0.047%; no homozygotes.

Submissions (4):

Women's Health and Genetics/Laboratory Corporation of America, LabCorp
Classification: Uncertain significance. Last evaluated: 2026-03-27. Review status: criteria provided, single submitter. Criteria: LabCorp Variant Classification Summary - May 2015. Collection method: clinical testing. Allele origin: germline.
Comment: Variant summary: POLG2 c.590T>C (p.Leu197Pro) results in a non-conservative amino acid change in the encoded protein sequence. Algorithms developed to predict the effect of missense changes on protein structure and function all suggest that this variant is likely to be disruptive. The variant allele was found at a frequency of 0.00046 in 251462 control chromosomes. This frequency is not significantly higher than estimated for disease-causing variants in POLG2, allowing no conclusion about variant significance. To our knowledge, no occurrence of c.590T>C in individuals affected with POLG2-related conditions and no experimental evidence demonstrating its impact on protein function have been reported. ClinVar contains an entry for this variant (Variation ID: 215034). Based on the evidence outlined above, the variant was classified as uncertain significance.

Labcorp Genetics (formerly Invitae), Labcorp
Classification: Likely benign. Last evaluated: 2026-02-04. Review status: criteria provided, single submitter. Criteria: Invitae Variant Classification Sherloc (09022015). Collection method: clinical testing. Allele origin: germline.

GeneDx
Classification: Uncertain significance. Last evaluated: 2025-10-30. Review status: criteria provided, single submitter. Criteria: GeneDx Variant Classification Process June 2021. Collection method: clinical testing. Allele origin: germline. Affected: yes.
Comment: Has not been previously published as pathogenic or benign to our knowledge; In silico analysis supports that this missense variant has a deleterious effect on protein structure/function

Mayo Clinic Laboratories, Mayo Clinic
Classification: Uncertain significance. Last evaluated: 2016-02-25. Review status: no assertion criteria provided. Collection method: clinical testing. Allele origin: unknown. Not counted in ClinVar's aggregate classification.

NM_007215.4(POLG2):c.590T>C (p.Leu197Pro)

Genes: POLG2 (DNA polymerase gamma 2, accessory subunit; minus strand), MILR1 (mast cell immunoglobulin like receptor 1; plus strand). Cytogenetic location: 17q23.3.
Variant type: single nucleotide variant.
Coding change: c.590T>C on transcript NM_007215.4 (MANE Select); coding-DNA position 590, T replaced by C.
Protein change: p.Leu197Pro; replaces leucine 197 with proline.
Molecular consequence: missense variant.
Genome position (GRCh38, 1-based): chr17:64,492,994, A>G on the plus strand (T>C on the coding strand, the complement: POLG2 is on the minus strand). VCF-style: chr17-64492994-A-G. GRCh37 (hg19) VCF-style: chr17-62489111-A-G.
Other names: p.L197P:CTG>CCG; short protein forms L197P.
Identifiers: ClinVar variation 215034 (VCV000215034.15), dbSNP rs139282177, ClinGen allele CA322683.